The following is an entry in ClinVar:

NM_006734.4(HIVEP2):c.4277C>T (p.Pro1426Leu)

Gene: HIVEP2 (HIVEP zinc finger 2; minus strand). Cytogenetic location: 6q24.2.
Variant type: single nucleotide variant.
Coding change: c.4277C>T on transcript NM_006734.4 (MANE Select); coding-DNA position 4277, C replaced by T.
Protein change: p.Pro1426Leu; replaces proline 1426 with leucine.
Molecular consequence: missense variant.
Genome position (GRCh38, 1-based): chr6:142,770,462, G>A on the plus strand (C>T on the coding strand, the complement: HIVEP2 is on the minus strand). VCF-style: chr6-142770462-G-A. GRCh37 (hg19) VCF-style: chr6-143091599-G-A.
Other names: short protein forms P1426L.
Identifiers: ClinVar variation 2692566 (VCV002692566.1), dbSNP rs1775498732, ClinGen allele CA365900467.

ClinVar aggregate classification (germline): Uncertain significance (1 of 4 stars; one submission).

Submission:

Greenwood Genetic Center Diagnostic Laboratories, Greenwood Genetic Center
Classification: Uncertain significance. Last evaluated: 2023-10-24. Review status: criteria provided, single submitter. Criteria: ACMG Guidelines, 2015. Collection method: clinical testing. Allele origin: germline. Affected: yes.
Comment: PM2